The following is an entry in ClinVar:

NM_004415.4(DSP):c.6266C>T (p.Ala2089Val)

Gene: DSP (desmoplakin; plus strand). Cytogenetic location: 6p24.3.
Variant type: single nucleotide variant.
Coding change: c.6266C>T on transcript NM_004415.4 (MANE Select); coding-DNA position 6266, C replaced by T.
Protein change: p.Ala2089Val; replaces alanine 2089 with valine.
Molecular consequence: missense variant.
Genome position (GRCh38, 1-based): chr6:7,583,528, C>T. VCF-style: chr6-7583528-C-T. GRCh37 (hg19) VCF-style: chr6-7583761-C-T.
Other names: c.4469C>T, p.Ala1490Val (NM_001008844.3); c.4937C>T, p.Ala1646Val (NM_001319034.2); short protein forms A1490V, A1646V, A2089V.
Identifiers: ClinVar variation 4539850 (VCV004539850.1).

ClinVar aggregate classification (germline): Uncertain significance (1 of 4 stars; one submission).

Submission:

GeneDx
Classification: Uncertain significance. Last evaluated: 2025-06-25. Review status: criteria provided, single submitter. Criteria: GeneDx Variant Classification Process June 2021. Collection method: clinical testing. Allele origin: germline. Affected: yes.
Comment: Not observed at significant frequency in large population cohorts (gnomAD); In silico analysis supports that this missense variant has a deleterious effect on protein structure/function; Has not been previously published as pathogenic or benign to our knowledge